The following is an entry in ClinVar:

ClinVar aggregate classification (germline): Likely benign. Review status: criteria provided, multiple submitters, no conflicts (2 of 4 stars). 7 submissions from 7 submitters: Likely benign (7). Last evaluated 2025-12-22.

Conditions:
Cardiovascular phenotype. Identifiers: MedGen CN230736.
Familial hypercholesterolemia. Also called: Familial hypercholesterolaemia; Familial hypercholesterolemias. Identifiers: MedGen C0020445, MONDO:0005439.
Hypercholesterolemia, autosomal dominant, 3 (FHCL3). Also called: Familial Hypercholesterolemia, Autosomal Dominant, 3; PCSK9-Related Familial Hypercholesterolemia, Autosomal Dominant; Familial hypercholesterolemia 3. Identifiers: MedGen C1863551, MONDO:0011369, OMIM 603776.

Allele frequency attached by ClinVar (database versions not stated): gnomAD exomes below 0.00001 and 0.00001; ExAC 0.00001; gnomAD 0.00002; TOPMed 0.00002.
gnomAD v4.1: 13 of 1,614,054 alleles (0.00081%); highest among the groups gnomAD compares: African/African-American, 0.0027%; no homozygotes.

Submissions (7):

Labcorp Genetics (formerly Invitae), Labcorp
Classification: Likely benign for Hypercholesterolemia, autosomal dominant, 3. Last evaluated: 2025-12-22. Review status: criteria provided, single submitter. Criteria: Invitae Variant Classification Sherloc (09022015). Collection method: clinical testing. Allele origin: germline.

GENinCode PLC
Classification: Likely benign for Familial hypercholesterolemia. Last evaluated: 2025-01-09. Review status: criteria provided, single submitter. Criteria: ACMG Guidelines, 2015. Collection method: clinical testing. Allele origin: germline.
Comment: This is a synonymous (silent) variant that is not predicted to impact splicing and occurs at a nucleotide which is not highly conserved. This variant has been classified as Likely Benign (BP4, BP7).

CeGaT Center for Human Genetics Tuebingen
Classification: Likely benign. Last evaluated: 2025-01-01. Review status: criteria provided, single submitter. Criteria: CeGaT Center For Human Genetics Tuebingen Variant Classification Criteria Version 2. Collection method: clinical testing. Allele origin: germline. Affected: yes. Observed: 1 variant allele.
Comment: PCSK9: BP4, BP7

All of Us Research Program, National Institutes of Health
Classification: Likely benign for Hypercholesterolemia, autosomal dominant, 3. Last evaluated: 2024-08-13. Review status: criteria provided, single submitter. Criteria: ACMG Guidelines, 2015. Collection method: clinical testing. Allele origin: germline. Inheritance: Autosomal dominant inheritance. Observed: 1 variant allele, 1 heterozygote.
Comment: This study involves interpretation of variants in research participants for the purpose of population health screening. Participant phenotype was not available at the time of variant classification. Additional details can be found in publication PMID: 35346344, PMCID: PMC8962531

Ambry Genetics
Classification: Likely benign for Cardiovascular phenotype. Last evaluated: 2023-07-08. Review status: criteria provided, single submitter. Criteria: Ambry Variant Classification Scheme 2023. Collection method: clinical testing. Allele origin: germline.

Color Diagnostics, LLC DBA Color Health
Classification: Likely benign for Familial hypercholesterolemia. Last evaluated: 2022-01-01. Review status: criteria provided, single submitter. Criteria: ACMG Guidelines, 2015. Collection method: clinical testing. Allele origin: germline.

Breakthrough Genomics
Classification: Likely benign. Review status: criteria provided, single submitter. Criteria: ACMG Guidelines, 2015. Collection method: not provided. Allele origin: germline. Inheritance: Autosomal dominant inheritance. Affected: yes.

NM_174936.4(PCSK9):c.420C>T (p.Val140=)

Gene: PCSK9 (proprotein convertase subtilisin/kexin type 9; plus strand). Cytogenetic location: 1p32.3.
Variant type: single nucleotide variant.
Coding change: c.420C>T on transcript NM_174936.4 (MANE Select); coding-DNA position 420, C replaced by T.
Protein change: p.Val140=; no amino-acid change (valine 140 retained).
Molecular consequence: synonymous variant.
Genome position (GRCh38, 1-based): chr1:55,046,543, C>T. VCF-style: chr1-55046543-C-T. GRCh37 (hg19) VCF-style: chr1-55512216-C-T.
Identifiers: ClinVar variation 630145 (VCV000630145.31), dbSNP rs749630126, ClinGen allele CA042113.